The following is an entry in ClinVar:

ClinVar aggregate classification (germline): Uncertain significance (1 of 4 stars; one submission).

Submission:

Labcorp Genetics (formerly Invitae), Labcorp
Classification: Uncertain significance. Last evaluated: 2024-04-25. Review status: criteria provided, single submitter. Criteria: Invitae Variant Classification Sherloc (09022015). Collection method: clinical testing. Allele origin: germline.
Comment: This sequence change replaces histidine, which is basic and polar, with glutamine, which is neutral and polar, at codon 1601 of the C3 protein (p.His1601Gln). This variant is not present in population databases (gnomAD no frequency). This variant has not been reported in the literature in individuals affected with C3-related conditions. Advanced modeling of protein sequence and biophysical properties (such as structural, functional, and spatial information, amino acid conservation, physicochemical variation, residue mobility, and thermodynamic stability) performed at Invitae indicates that this missense variant is not expected to disrupt C3 protein function with a negative predictive value of 80%. In summary, the available evidence is currently insufficient to determine the role of this variant in disease. Therefore, it has been classified as a Variant of Uncertain Significance.

NM_000064.4(C3):c.4803C>G (p.His1601Gln)

Gene: C3 (complement C3; minus strand). Cytogenetic location: 19p13.3.
Variant type: single nucleotide variant.
Coding change: c.4803C>G on transcript NM_000064.4 (MANE Select); coding-DNA position 4803, C replaced by G.
Protein change: p.His1601Gln; replaces histidine 1601 with glutamine.
Molecular consequence: missense variant.
Genome position (GRCh38, 1-based): chr19:6,678,199, G>C on the plus strand (C>G on the coding strand, the complement: C3 is on the minus strand). VCF-style: chr19-6678199-G-C. GRCh37 (hg19) VCF-style: chr19-6678210-G-C.
Other names: short protein forms H1601Q.
Identifiers: ClinVar variation 3682497 (VCV003682497.2).
Genomic context (GRCh38, chr19:6,678,199, plus strand): 5'-GGAAAGCACTCACTTGGGCTTCTCTCCCCAGAAATCGGAGGAGAGACCCCACATGAGGTA[G>C]TGTTTCTTCTCCTCCAGCTTCAGGGCTTCTCTGCACTTGATGGGGCTGATGAACGTGCGC-3'
Protein context (NP_000055.2, residues 1591-1611): REALKLEEKK[His1601Gln]YLMWGLSSDF